The following is an entry in ClinVar:

NM_032856.5(WDR73):c.507G>A (p.Thr169=)

Gene: WDR73 (WD repeat domain 73; minus strand). Cytogenetic location: 15q25.2.
Variant type: single nucleotide variant.
Coding change: c.507G>A on transcript NM_032856.5 (MANE Select); coding-DNA position 507, G replaced by A.
Protein change: p.Thr169=; no amino-acid change (threonine 169 retained).
Molecular consequence: synonymous variant. On other transcripts: non-coding transcript variant (4).
Genome position (GRCh38, 1-based): chr15:84,646,194, C>T on the plus strand (G>A on the coding strand, the complement: WDR73 is on the minus strand). VCF-style: chr15-84646194-C-T. GRCh37 (hg19) VCF-style: chr15-85189425-C-T.
Other names: c.507G>A (NM_032856.3).
Identifiers: ClinVar variation 2182122 (VCV002182122.6), dbSNP rs550248240, ClinGen allele CA7707374.

ClinVar aggregate classification (germline): Likely benign. Review status: criteria provided, single submitter (1 of 4 stars). 2 submissions from 2 submitters: Likely benign (1). 1 of the submissions does not count toward it. Last evaluated 2022-10-05.

Conditions:
WDR73-related disorder. Also called: WDR73-related condition; WDR73-related disorders.

Allele frequency attached by ClinVar (database versions not stated): TOPMed 0.00001; gnomAD exomes 0.00004; gnomAD 0.00005; ExAC 0.00010; 1000 Genomes Project 0.00020; 1000 Genomes Project 30x 0.00031.
gnomAD v4.1: 62 of 1,613,714 alleles (0.0038%); highest among the groups gnomAD compares: South Asian, 0.052%; no homozygotes.

Submissions (2):

Labcorp Genetics (formerly Invitae), Labcorp
Classification: Likely benign. Last evaluated: 2022-10-05. Review status: criteria provided, single submitter. Criteria: Invitae Variant Classification Sherloc (09022015). Collection method: clinical testing. Allele origin: germline.

PreventionGenetics, part of Exact Sciences
Classification: Likely benign for WDR73-related condition. Last evaluated: 2020-07-08. Review status: no assertion criteria provided. Collection method: clinical testing. Allele origin: germline. Not counted in ClinVar's aggregate classification.
Comment: This variant is classified as likely benign based on ACMG/AMP sequence variant interpretation guidelines (Richards et al. 2015 PMID: 25741868, with internal and published modifications).